The following is an entry in ClinVar:

ClinVar aggregate classification (germline): Uncertain significance. Review status: criteria provided, multiple submitters, no conflicts (2 of 4 stars). 2 submissions from 2 submitters: Uncertain significance (2). Last evaluated 2025-04-24.

Conditions:
Inborn genetic diseases. Identifiers: MedGen C0950123, MeSH D030342.

Allele frequency attached by ClinVar (database versions not stated): TOPMed 0.00001; gnomAD 0.00002.
gnomAD v4.1: 6 of 1,537,698 alleles (0.00039%); highest among the groups gnomAD compares: African/African-American, 0.0082%; no homozygotes.

Submissions (2):

Ambry Genetics
Classification: Uncertain significance for Inborn genetic diseases. Last evaluated: 2025-04-24. Review status: criteria provided, single submitter. Criteria: Ambry Variant Classification Scheme 2023. Collection method: clinical testing. Allele origin: germline.

GeneDx
Classification: Uncertain significance. Last evaluated: 2022-11-17. Review status: criteria provided, single submitter. Criteria: GeneDx Variant Classification Process June 2021. Collection method: clinical testing. Allele origin: germline. Affected: yes.
Comment: In silico analysis supports that this missense variant has a deleterious effect on protein structure/function; Has not been previously published as pathogenic or benign to our knowledge

NM_000748.3(CHRNB2):c.1302C>G (p.Ile434Met)

Gene: CHRNB2 (cholinergic receptor nicotinic beta 2 subunit; plus strand). Cytogenetic location: 1q21.3.
Variant type: single nucleotide variant.
Coding change: c.1302C>G on transcript NM_000748.3 (MANE Select); coding-DNA position 1302, C replaced by G.
Protein change: p.Ile434Met; replaces isoleucine 434 with methionine.
Molecular consequence: missense variant.
Genome position (GRCh38, 1-based): chr1:154,572,125, C>G. VCF-style: chr1-154572125-C-G. GRCh37 (hg19) VCF-style: chr1-154544601-C-G.
Other names: short protein forms I434M.
Identifiers: ClinVar variation 2502480 (VCV002502480.2), dbSNP rs1274411619, ClinGen allele CA342631889.
Genomic context (GRCh38, chr1:154,572,125, plus strand): 5'-GCGCTCAGGGGAGCCGTGTGGCTGTGGCCTCCGGGAGGCGGTGGACGGCGTGCGCTTCAT[C>G]GCAGACCACATGCGGAGCGAGGACGATGACCAGAGCGTGAGTGCCGCAGGCTGGGACCCC-3'
Protein context (NP_000739.1, residues 424-444): LREAVDGVRF[Ile434Met]ADHMRSEDDD